The following is an entry in ClinVar:

ClinVar aggregate classification (germline): Pathogenic (1 of 4 stars; one submission).

Conditions:
Charcot-Marie-Tooth disease type 2. Also called: Charcot-Marie-Tooth type 2. Identifiers: Orphanet 64746, MedGen C0270914, MONDO:0018993.

Allele frequency attached by ClinVar (database versions not stated): TOPMed below 0.00001; gnomAD 0.00001.
gnomAD v4.1: 1 of 1,614,036 alleles (0.000062%); highest among the groups gnomAD compares: Non-Finnish European, 0.000085%; no homozygotes.

Submission:

Labcorp Genetics (formerly Invitae), Labcorp
Classification: Pathogenic for Charcot-Marie-Tooth disease type 2. Last evaluated: 2023-04-17. Review status: criteria provided, single submitter. Criteria: Invitae Variant Classification Sherloc (09022015). Collection method: clinical testing. Allele origin: germline.
Comment: For these reasons, this variant has been classified as Pathogenic. Algorithms developed to predict the effect of sequence changes on RNA splicing suggest that this variant may disrupt the consensus splice site. This variant has not been reported in the literature in individuals affected with AARS-related conditions. This variant is not present in population databases (gnomAD no frequency). This sequence change creates a premature translational stop signal (p.Lys231*) in the AARS gene. It is expected to result in an absent or disrupted protein product. Loss-of-function variants in AARS are known to be pathogenic (PMID: 25817015, 28493438, 34446925).

Literature cited by the submitters: PubMed 25817015; PubMed 28493438; PubMed 34446925.

NM_001605.3(AARS1):c.691A>T (p.Lys231Ter)

Gene: AARS1 (alanyl-tRNA synthetase 1; minus strand). Cytogenetic location: 16q22.1.
Variant type: single nucleotide variant.
Coding change: c.691A>T on transcript NM_001605.3 (MANE Select); coding-DNA position 691, A replaced by T.
Protein change: p.Lys231Ter; replaces lysine 231 with a stop codon.
Molecular consequence: nonsense.
Genome position (GRCh38, 1-based): chr16:70,270,321, T>A on the plus strand (A>T on the coding strand, the complement: AARS1 is on the minus strand). VCF-style: chr16-70270321-T-A. GRCh37 (hg19) VCF-style: chr16-70304224-T-A.
Other names: short protein forms K231*.
Identifiers: ClinVar variation 2982855 (VCV002982855.3), dbSNP rs1960369184, ClinGen allele CA396565658.